The following is an entry in ClinVar:

NM_018668.5(VPS33B):c.207G>A (p.Val69=)

Gene: VPS33B (VPS33B late endosome and lysosome associated; minus strand). Cytogenetic location: 15q26.1.
Variant type: single nucleotide variant.
Coding change: c.207G>A on transcript NM_018668.5 (MANE Select); coding-DNA position 207, G replaced by A.
Protein change: p.Val69=; no amino-acid change (valine 69 retained).
Molecular consequence: synonymous variant. On other transcripts: intron variant (1).
Genome position (GRCh38, 1-based): chr15:91,016,995, C>T on the plus strand (G>A on the coding strand, the complement: VPS33B is on the minus strand). VCF-style: chr15-91016995-C-T. GRCh37 (hg19) VCF-style: chr15-91560225-C-T.
Other names: c.126G>A, p.Val42= (NM_001289148.1); c.-35+810G>A (NM_001289149.1).
Identifiers: ClinVar variation 3764704 (VCV003764704.2).

ClinVar aggregate classification (germline): Uncertain significance (1 of 4 stars; one submission).

Conditions:
Arthrogryposis, renal dysfunction, and cholestasis 1 (ARCS1). Identifiers: Orphanet 2697, MedGen C1859722, MONDO:0008822, OMIM 208085.

Submission:

Juno Genomics, Hangzhou Juno Genomics, Inc
Classification: Uncertain significance for Arthrogryposis, renal dysfunction, and cholestasis 1. Review status: criteria provided, single submitter. Criteria: ACMG Guidelines, 2015. Collection method: clinical testing. Allele origin: germline. Affected: yes.
Comment: Absent from controls (or at extremely low frequency if recessive) in Genome Aggregation Database, Exome Sequencing Project, 1000 Genomes Project, or Exome Aggregation Consortium.;Multiple lines of computational evidence support a deleterious effect on the gene or gene product (conservation, evolutionary, splicing impact, etc).;For recessive disorders, detected in trans with a pathogenic variant.;Patient's phenotype or family history is highly specific for a disease with a single genetic etiology.